The following is an entry in ClinVar:

ClinVar aggregate classification (germline): Uncertain significance. Review status: criteria provided, multiple submitters, no conflicts (2 of 4 stars). 4 submissions from 4 submitters: Uncertain significance (4). Last evaluated 2025-05-18.

Conditions:
Hereditary cancer-predisposing syndrome. Also called: Neoplastic Syndromes, Hereditary; Hereditary Cancer Syndrome; Hereditary neoplastic syndrome; Tumor predisposition. Identifiers: Orphanet 140162, MedGen C0027672, MeSH D009386, MONDO:0015356.
Neurofibromatosis, type 2 (SWNV). Also called: BILATERAL ACOUSTIC NEUROFIBROMATOSIS; NF2-Related Schwannomatosis; SCHWANNOMATOSIS, VESTIBULAR. Identifiers: Orphanet 637, MedGen C0027832, MONDO:0007039, OMIM 101000. Disease mechanism: loss of function.
Familial meningioma. Also called: Meningioma, familial, susceptibility to. Identifiers: Orphanet 263662, MedGen C3551915, MONDO:0011789, OMIM 607174.
SMARCB1-related schwannomatosis. Also called: SWNTS1; Schwannomatosis 1. Identifiers: Orphanet 93921, MedGen C4048809, MONDO:0024517, OMIM 162091. Disease mechanism: loss of function.

Allele frequency attached by ClinVar (database versions not stated): TOPMed below 0.00001.
gnomAD v4.1: 6 of 1,612,054 alleles (0.00037%); highest among the groups gnomAD compares: East Asian, 0.0022%; no homozygotes.

Submissions (4):

Labcorp Genetics (formerly Invitae), Labcorp
Classification: Uncertain significance for Neurofibromatosis, type 2. Last evaluated: 2025-05-18. Review status: criteria provided, single submitter. Criteria: Invitae Variant Classification Sherloc (09022015). Collection method: clinical testing. Allele origin: germline.
Comment: This sequence change replaces threonine, which is neutral and polar, with alanine, which is neutral and non-polar, at codon 415 of the NF2 protein (p.Thr415Ala). This variant is not present in population databases (gnomAD no frequency). This variant has not been reported in the literature in individuals affected with NF2-related conditions. ClinVar contains an entry for this variant (Variation ID: 1053758). Invitae Evidence Modeling of protein sequence and biophysical properties (such as structural, functional, and spatial information, amino acid conservation, physicochemical variation, residue mobility, and thermodynamic stability) indicates that this missense variant is not expected to disrupt NF2 protein function with a negative predictive value of 80%. In summary, the available evidence is currently insufficient to determine the role of this variant in disease. Therefore, it has been classified as a Variant of Uncertain Significance.

Ambry Genetics
Classification: Uncertain significance for Hereditary cancer-predisposing syndrome. Last evaluated: 2024-08-14. Review status: criteria provided, single submitter. Criteria: Ambry Variant Classification Scheme 2023. Collection method: clinical testing. Allele origin: germline.
Comment: The p.T415A variant (also known as c.1243A>G), located in coding exon 12 of the NF2 gene, results from an A to G substitution at nucleotide position 1243. The threonine at codon 415 is replaced by alanine, an amino acid with similar properties. This alteration was reported as a germline alteration in an individual who underwent clinical NF2 testing; however phenotypic information for this individual was not available (Ahronowitz I et al. Hum Mutat, 2007 Jan;28:1-12). This amino acid position is well conserved in available vertebrate species. In addition, this alteration is predicted to be tolerated by in silico analysis. Based on the available evidence, the clinical significance of this variant remains unclear.

Molecular Pathology, Peter Maccallum Cancer Centre
Classification: Uncertain significance for Neurofibromatosis, type 2. Last evaluated: 2024-04-16. Review status: criteria provided, single submitter. Criteria: ACMG Guidelines, 2015. Collection method: clinical testing. Allele origin: germline. Inheritance: Autosomal dominant inheritance.

Fulgent Genetics
Classification: Uncertain significance for Neurofibromatosis, type 2; SMARCB1-related schwannomatosis; Familial meningioma. Last evaluated: 2022-03-22. Review status: criteria provided, single submitter. Criteria: ACMG Guidelines, 2015. Collection method: clinical testing. Allele origin: unknown.

Literature cited by the submitters: PubMed 16983642 (cited by Ambry Genetics).

NM_000268.4(NF2):c.1243A>G (p.Thr415Ala)

Gene: NF2 (NF2, moesin-ezrin-radixin like (MERLIN) tumor suppressor; plus strand). Cytogenetic location: 22q12.2.
Variant type: single nucleotide variant.
Coding change: c.1243A>G on transcript NM_000268.4 (MANE Select); coding-DNA position 1243, A replaced by G.
Protein change: p.Thr415Ala; replaces threonine 415 with alanine.
Molecular consequence: missense variant. On other transcripts: non-coding transcript variant (1), intron variant (1).
Genome position (GRCh38, 1-based): chr22:29,673,389, A>G. VCF-style: chr22-29673389-A-G. GRCh37 (hg19) VCF-style: chr22-30069378-A-G.
Other names: c.1243A>G, p.Thr415Ala (NM_016418.5, NM_181825.3, NM_181832.3); c.1117A>G, p.Thr373Ala (NM_181828.3); c.1120A>G, p.Thr374Ala (NM_181829.3); c.994A>G, p.Thr332Ala (NM_181830.3, NM_181831.3); c.448-21363A>G (NM_181833.3); short protein forms T332A, T373A, T374A, T415A.
Identifiers: ClinVar variation 1053758 (VCV001053758.14), dbSNP rs776970251, ClinGen allele CA411148298.